The following is an entry in ClinVar:

ClinVar aggregate classification (germline): Conflicting classifications of pathogenicity. Review status: criteria provided, conflicting classifications (1 of 4 stars). 4 submissions from 4 submitters: Uncertain significance (1); Likely benign (3). Last evaluated 2025-12-03.

Conditions:
Junctional epidermolysis bullosa, non-Herlitz type. Also called: Adult junctional epidermolysis bullosa; COL17A1-Related Junctional Epidermolysis Bullosa; Epidermolysis bullosa, junctional, non-herlitz type, somatic mosaic revertant; EPIDERMOLYSIS BULLOSA, JUNCTIONAL 1A, INTERMEDIATE; EPIDERMOLYSIS BULLOSA JUNCTIONALIS, DISENTIS TYPE; EPIDERMOLYSIS BULLOSA JUNCTIONALIS, NON-HERLITZ TYPE. Identifiers: Orphanet 251393, Orphanet 79402, Orphanet 79405, Orphanet 89840, MedGen C0268374, MONDO:0009180, OMIM 226650.

Allele frequency attached by ClinVar (database versions not stated): ESP Exome Variant Server 0.00015; gnomAD exomes 0.00020 and 0.00024; gnomAD 0.00021; TOPMed 0.00023; ExAC 0.00029; 1000 Genomes Project 0.00040; 1000 Genomes Project 30x 0.00047.
gnomAD v4.1: 379 of 1,611,664 alleles (0.024%); highest among the groups gnomAD compares: Middle Eastern, 0.066%; no homozygotes.

Submissions (4):

Labcorp Genetics (formerly Invitae), Labcorp
Classification: Likely benign. Last evaluated: 2025-12-03. Review status: criteria provided, single submitter. Criteria: Invitae Variant Classification Sherloc (09022015). Collection method: clinical testing. Allele origin: germline.

Blueprint Genetics
Classification: Likely benign. Last evaluated: 2024-11-13. Review status: criteria provided, single submitter. Criteria: ACMG Guidelines, 2015. Collection method: clinical testing. Allele origin: germline.

CeGaT Center for Human Genetics Tuebingen
Classification: Likely benign. Last evaluated: 2023-09-01. Review status: criteria provided, single submitter. Criteria: CeGaT Center For Human Genetics Tuebingen Variant Classification Criteria Version 2. Collection method: clinical testing. Allele origin: germline. Affected: yes. Observed: 1 variant allele.
Comment: COL17A1: BP4, BP7

Illumina Laboratory Services, Illumina
Classification: Uncertain significance for Junctional epidermolysis bullosa, non-Herlitz type. Last evaluated: 2018-01-13. Review status: criteria provided, single submitter. Criteria: ICSL Variant Classification Criteria 13 December 2019. Collection method: clinical testing. Allele origin: germline.

NM_000494.4(COL17A1):c.1761T>C (p.Pro587=)

Genes: COL17A1 (collagen type XVII alpha 1 chain; minus strand), LOC126861025 (CDK7 strongly-dependent group 2 enhancer GRCh37_chr10:105813739-105814938; plus strand). Cytogenetic location: 10q25.1.
Variant type: single nucleotide variant.
Coding change: c.1761T>C on transcript NM_000494.4 (MANE Select); coding-DNA position 1761, T replaced by C.
Protein change: p.Pro587=; no amino-acid change (proline 587 retained).
Molecular consequence: synonymous variant.
Genome position (GRCh38, 1-based): chr10:104,054,102, A>G on the plus strand (T>C on the coding strand, the complement: COL17A1 is on the minus strand). VCF-style: chr10-104054102-A-G. GRCh37 (hg19) VCF-style: chr10-105813860-A-G.
Other names: c.1761T>C, p.Pro587= (LRG_1249t1).
Identifiers: ClinVar variation 298724 (VCV000298724.34), dbSNP rs200370596, ClinGen allele CA5678886.
Genomic context (GRCh38, chr10:104,054,102, plus strand): 5'-TTGAGCAGCTGCAACACTGGCAGGCCTGGAGGTCATCAGAGAGTACATACCTGGAGTCCC[A>G]GGGAACCCTCGATCTCCTGCAGGAACAAAGGCAAAAGAGAGAGTGGTCAGCCAGAAGACT-3'
Protein context (NP_000485.3, residues 577-597): SPGPKGDRGF[Pro587=]GTPGIPGPLG